The following is an entry in ClinVar:

ClinVar aggregate classification (germline): Pathogenic (1 of 4 stars; one submission).

Conditions:
Familial cancer of breast. Also called: Hereditary breast cancer; BREAST CANCER, FAMILIAL; hereditary breast carcinoma. Identifiers: Orphanet 227535, MedGen C0346153, MONDO:0016419, OMIM 114480. Disease mechanism: loss of function.

Submission:

Myriad Genetics, Inc.
Classification: Pathogenic for Familial cancer of breast. Last evaluated: 2023-09-07. Review status: criteria provided, single submitter. Criteria: Myriad Autosomal Dominant, Autosomal Recessive and X-Linked Classification Criteria (2023). Collection method: clinical testing. Allele origin: unknown.
Comment: This variant is considered pathogenic. This variant creates a frameshift predicted to result in premature protein truncation.

NM_024675.4(PALB2):c.1107del (p.Gln370fs)

Gene: PALB2 (partner and localizer of BRCA2; minus strand). Cytogenetic location: 16p12.2.
Variant type: Deletion.
Coding change: c.1107del on transcript NM_024675.4 (MANE Select); coding-DNA position 1107, one base deleted (T; older notation c.1107delT).
Protein change: p.Gln370fs; shifts the reading frame from glutamine 370.
Molecular consequence: frameshift variant. On other transcripts: intron variant (3).
Genome position (GRCh38, 1-based): chr16:23,635,439, A deleted on the plus strand (T on the coding strand, the reverse complement: PALB2 is on the minus strand); the first of 2 consecutive A bases (chr16:23,635,439-23,635,440); deleting either gives the same sequence. VCF-style (leftmost placement, unchanged base first): chr16-23635438-GA-G. GRCh37 (hg19) VCF-style: chr16-23646759-GA-G.
Other names: c.1047del, p.Gln350fs (NM_001407296.1); c.1107del, p.Gln370fs (NM_001407297.1, NM_001407298.1, NM_001407299.1 and 3 more transcripts); c.222del, p.Gln75fs (NM_001407304.1, NM_001407305.1, NM_001407306.1 and 5 more transcripts); c.48+5671del (NM_001407314.1); c.-104-4970del (NM_001407313.1, NM_001407312.1); short protein forms Q350fs, Q370fs, Q75fs.
Identifiers: ClinVar variation 2674180 (VCV002674180.1), dbSNP rs2506488695, ClinGen allele CA2695197509.